The following is an entry in ClinVar:

ClinVar aggregate classification (germline): Uncertain significance (1 of 4 stars; one submission).

Conditions:
Dyskeratosis congenita. Identifiers: Orphanet 1775, MedGen C0265965, MONDO:0015780.

Submission:

Labcorp Genetics (formerly Invitae), Labcorp
Classification: Uncertain significance for Dyskeratosis congenita. Last evaluated: 2019-10-16. Review status: criteria provided, single submitter. Criteria: Invitae Variant Classification Sherloc (09022015). Collection method: clinical testing. Allele origin: germline.
Comment: Nucleotide substitutions within the consensus splice site are a relatively common cause of aberrant splicing (PMID: 17576681, 9536098). Algorithms developed to predict the effect of sequence changes on RNA splicing suggest that this variant is not likely to affect RNA splicing, but this prediction has not been confirmed by published transcriptional studies. In summary, the available evidence is currently insufficient to determine the role of this variant in disease. Therefore, it has been classified as a Variant of Uncertain Significance. This sequence change falls in intron 3 of the TINF2 gene. It does not directly change the encoded amino acid sequence of the TINF2 protein, but it affects a nucleotide within the consensus splice site of the intron. This variant is not present in population databases (ExAC no frequency). This variant has not been reported in the literature in individuals with TINF2-related conditions.

Literature cited by the submitters: PubMed 17576681; PubMed 9536098.

NM_001099274.3(TINF2):c.400-3T>C

Gene: TINF2 (TERF1 interacting nuclear factor 2; minus strand). Cytogenetic location: 14q12.
Variant type: single nucleotide variant.
Coding change: c.400-3T>C on transcript NM_001099274.3 (MANE Select); 3 bases into the intron before coding-DNA position 400, T replaced by C.
Molecular consequence: intron variant.
Genome position (GRCh38, 1-based): chr14:24,241,314, A>G on the plus strand (T>C on the coding strand, the complement: TINF2 is on the minus strand). VCF-style: chr14-24241314-A-G. GRCh37 (hg19) VCF-style: chr14-24710520-A-G.
Other names: c.400-3T>C (NM_012461.3); c.295-3T>C (NM_001363668.2).
Identifiers: ClinVar variation 966576 (VCV000966576.9), dbSNP rs2040574912, ClinGen allele CA1139663414.